The following is an entry in ClinVar:

NM_000516.7(GNAS):c.719-10T>G

Gene: GNAS (GNAS complex locus; plus strand). Cytogenetic location: 20q13.32.
Variant type: single nucleotide variant.
Coding change: c.719-10T>G on transcript NM_000516.7 (MANE Select); 10 bases into the intron before coding-DNA position 719, T replaced by G.
Molecular consequence: intron variant.
Genome position (GRCh38, 1-based): chr20:58,909,674, T>G. VCF-style: chr20-58909674-T-G. GRCh37 (hg19) VCF-style: chr20-57484729-T-G.
Other names: c.*625-10T>G (NM_016592.5); c.623-10T>G (NM_001410912.1); c.542-10T>G (NM_001309861.2, NM_001309840.2); c.*580-10T>G (NM_001077490.3); c.2648-10T>G (NM_080425.4); c.2603-10T>G (NM_001410913.1); c.722-10T>G (NM_001077488.5); c.677-10T>G (NM_080426.4); and 1 more.
Identifiers: ClinVar variation 3354004 (VCV003354004.1).

ClinVar aggregate classification (germline): Likely benign (0 of 4 stars; one submission).

Conditions:
GNAS-related disorder. Identifiers: MedGen CN380105.

Submission:

PreventionGenetics, part of Exact Sciences
Classification: Likely benign for GNAS-related condition. Last evaluated: 2023-12-11. Review status: no assertion criteria provided. Collection method: clinical testing. Allele origin: germline.
Comment: This variant is classified as likely benign based on ACMG/AMP sequence variant interpretation guidelines (Richards et al. 2015 PMID: 25741868, with internal and published modifications).